The following is an entry in ClinVar:

NM_001089.3(ABCA3):c.1365G>A (p.Met455Ile)

Gene: ABCA3 (ATP binding cassette subfamily A member 3; minus strand). Cytogenetic location: 16p13.3.
Variant type: single nucleotide variant.
Coding change: c.1365G>A on transcript NM_001089.3 (MANE Select); coding-DNA position 1365, G replaced by A.
Protein change: p.Met455Ile; replaces methionine 455 with isoleucine.
Molecular consequence: missense variant.
Genome position (GRCh38, 1-based): chr16:2,304,071, C>T on the plus strand (G>A on the coding strand, the complement: ABCA3 is on the minus strand). VCF-style: chr16-2304071-C-T. GRCh37 (hg19) VCF-style: chr16-2354072-C-T.
Other names: short protein forms M455I.
Identifiers: ClinVar variation 1770926 (VCV001770926.2), dbSNP rs758166826, ClinGen allele CA7841262.

ClinVar aggregate classification (germline): Uncertain significance (1 of 4 stars; one submission).

Conditions:
Hereditary pulmonary alveolar proteinosis. Also called: Pulmonary surfactant metabolism dysfunction. Identifiers: Orphanet 264675, MedGen C3711368, MONDO:0012580.

Allele frequency attached by ClinVar (database versions not stated): gnomAD exomes below 0.00001; ExAC 0.00001.
gnomAD v4.1: 2 of 1,614,196 alleles (0.00012%); highest among the groups gnomAD compares: Non-Finnish European, 0.00017%; no homozygotes.

Submission:

Ambry Genetics
Classification: Uncertain significance for Hereditary pulmonary alveolar proteinosis. Last evaluated: 2021-11-05. Review status: criteria provided, single submitter. Criteria: Ambry Variant Classification Scheme 2023. Collection method: clinical testing. Allele origin: germline.
Comment: The p.M455I variant (also known as c.1365G>A), located in coding exon 9 of the ABCA3 gene, results from a G to A substitution at nucleotide position 1365. The methionine at codon 455 is replaced by isoleucine, an amino acid with highly similar properties. This amino acid position is conserved. In addition, the in silico prediction for this alteration is inconclusive. Since supporting evidence is limited at this time, the clinical significance of this alteration remains unclear.